The following is an entry in ClinVar:

NM_001127511.3(APC):c.165+20768T>G

Gene: APC (APC regulator of Wnt signaling pathway; plus strand). Cytogenetic location: 5q22.2.
Variant type: single nucleotide variant.
Coding change: c.165+20768T>G on transcript NM_001127511.3; 20768 bases into the intron after coding-DNA position 165, T replaced by G.
Molecular consequence: intron variant.
Genome position (GRCh38, 1-based): chr5:112,728,650, T>G. VCF-style: chr5-112728650-T-G. GRCh37 (hg19) VCF-style: chr5-112064347-T-G.
Other names: c.-1054+20768T>G (NM_001407470.1, NM_001407472.1); c.-19+20768T>G (NM_001407447.1, NM_001354895.2, NM_001407456.1 and 3 more transcripts); c.165+20768T>G (NM_001407446.1, NM_001354897.2, NM_001354902.2); c.-19+21001T>G (NM_001407448.1, NM_001407450.1, NM_001407457.1 and 1 more transcripts); c.-43+21001T>G (NM_001407453.1).
Identifiers: ClinVar variation 82707 (VCV000082707.4), dbSNP rs78382387, ClinGen allele CA023506.

ClinVar aggregate classification (germline): other (0 of 4 stars; one submission).

Conditions:
Familial colorectal cancer. Identifiers: MedGen CN280943, MONDO:0023113. Disease mechanism: loss of function.

Allele frequency attached by ClinVar (database versions not stated): TOPMed below 0.00001.

Submission:

Systems Biology Platform Zhejiang California International NanoSystems Institute
Classification: other for Familial colorectal cancer. Review status: no assertion criteria provided. Collection method: not provided. Allele origin: unknown.
ClinVar note: Converted during submission from cancer to other.